The following is an entry in ClinVar:

ClinVar aggregate classification (germline): Uncertain significance. Review status: criteria provided, multiple submitters, no conflicts (2 of 4 stars). 2 submissions from 2 submitters: Uncertain significance (2). Last evaluated 2025-01-21.

Conditions:
Nephronophthisis 14 (NPHP14). Identifiers: Orphanet 2318, MedGen C3539071, MONDO:0013916, OMIM 614844.

Allele frequency attached by ClinVar (database versions not stated): gnomAD exomes below 0.00001; TOPMed 0.00001.
gnomAD v4.1: 1 of 1,612,516 alleles (0.000062%); highest among the groups gnomAD compares: Admixed American, 0.0017%; no homozygotes.

Submissions (2):

Ambry Genetics
Classification: Uncertain significance. Last evaluated: 2025-01-21. Review status: criteria provided, single submitter. Criteria: Ambry Variant Classification Scheme 2023. Collection method: clinical testing. Allele origin: germline.

Labcorp Genetics (formerly Invitae), Labcorp
Classification: Uncertain significance for Nephronophthisis 14. Last evaluated: 2019-01-01. Review status: criteria provided, single submitter. Criteria: Invitae Variant Classification Sherloc (09022015). Collection method: clinical testing. Allele origin: germline.
Comment: This variant has not been reported in the literature in individuals with ZNF423-related disease. This sequence change replaces alanine with glycine at codon 17 of the ZNF423 protein (p.Ala17Gly). The alanine residue is weakly conserved and there is a small physicochemical difference between alanine and glycine. This variant is not present in population databases (ExAC no frequency). Algorithms developed to predict the effect of missense changes on protein structure and function (SIFT, PolyPhen-2, Align-GVGD) all suggest that this variant is likely to be tolerated, but these predictions have not been confirmed by published functional studies and their clinical significance is uncertain. In summary, the available evidence is currently insufficient to determine the role of this variant in disease. Therefore, it has been classified as a Variant of Uncertain Significance.

NM_001379286.1(ZNF423):c.74C>G (p.Ala25Gly)

Gene: ZNF423 (zinc finger protein 423; minus strand). Cytogenetic location: 16q12.1.
Variant type: single nucleotide variant.
Coding change: c.74C>G on transcript NM_001379286.1 (MANE Select); coding-DNA position 74, C replaced by G.
Protein change: p.Ala25Gly; replaces alanine 25 with glycine.
Molecular consequence: missense variant. On other transcripts: 5 prime UTR variant (1).
Genome position (GRCh38, 1-based): chr16:49,789,513, G>C on the plus strand (C>G on the coding strand, the complement: ZNF423 is on the minus strand). VCF-style: chr16-49789513-G-C. GRCh37 (hg19) VCF-style: chr16-49823424-G-C.
Other names: c.-131C>G (NM_001271620.2); c.50C>G, p.Ala17Gly (NM_015069.5); c.50C>G (NM_015069.2); short protein forms A17G, A25G.
Identifiers: ClinVar variation 653839 (VCV000653839.11), dbSNP rs1458377167, ClinGen allele CA396110766.